The following is an entry in ClinVar:

NM_001465.6(FYB1):c.1201G>T (p.Ala401Ser)

Gene: FYB1 (FYN binding protein 1; minus strand). Cytogenetic location: 5p13.1.
Variant type: single nucleotide variant.
Coding change: c.1201G>T on transcript NM_001465.6 (MANE Select); coding-DNA position 1201, G replaced by T.
Protein change: p.Ala401Ser; replaces alanine 401 with serine.
Molecular consequence: missense variant.
Genome position (GRCh38, 1-based): chr5:39,153,539, C>A on the plus strand (G>T on the coding strand, the complement: FYB1 is on the minus strand). VCF-style: chr5-39153539-C-A. GRCh37 (hg19) VCF-style: chr5-39153641-C-A.
Other names: p.Ala401Ser; c.1231G>T, p.Ala411Ser (NM_001243093.2, NM_018594.2); c.1201G>T, p.Ala401Ser (NM_001349333.2, NM_199335.5); short protein forms A401S, A411S.
Identifiers: ClinVar variation 3379588 (VCV003379588.1).
Genomic context (GRCh38, chr5:39,153,539, plus strand): 5'-GAGGTAGGCTTGGGACTGGTGGTTGTGATGGGTGAGATGCTGGCAATGGTGGTTGGCTGG[C>A]CGGATGGGATGGTGGAGGTGGTGGCAGGGAAGTTGTTGAGTAAGACGTCTGGCCTTTGCT-3'
Protein context (NP_001456.3, residues 391-411): SLPPPPPSHP[Ala401Ser]SQPPLPASHP

ClinVar aggregate classification (germline): Uncertain significance (1 of 4 stars; one submission).

gnomAD v4.1: 6 of 1,613,706 alleles (0.00037%); highest among the groups gnomAD compares: South Asian, 0.0022%; no homozygotes.

Submission:

Mayo Clinic Laboratories, Mayo Clinic
Classification: Uncertain significance. Last evaluated: 2023-10-31. Review status: criteria provided, single submitter. Criteria: ACMG Guidelines, 2015. Collection method: clinical testing. Allele origin: germline. Observed: 1 variant allele.
Comment: BP4, PM1_supporting, PM2_moderate